The following is an entry in ClinVar:

NM_001170629.2(CHD8):c.7499A>G (p.His2500Arg)

Gene: CHD8 (chromodomain helicase DNA binding protein 8; minus strand). Cytogenetic location: 14q11.2.
Variant type: single nucleotide variant.
Coding change: c.7499A>G on transcript NM_001170629.2 (MANE Select); coding-DNA position 7499, A replaced by G.
Protein change: p.His2500Arg; replaces histidine 2500 with arginine.
Molecular consequence: missense variant.
Genome position (GRCh38, 1-based): chr14:21,385,860, T>C on the plus strand (A>G on the coding strand, the complement: CHD8 is on the minus strand). VCF-style: chr14-21385860-T-C. GRCh37 (hg19) VCF-style: chr14-21854019-T-C.
Other names: c.6662A>G, p.His2221Arg (NM_020920.4); short protein forms H2221R, H2500R.
Identifiers: ClinVar variation 2768190 (VCV002768190.3), dbSNP rs745917082, ClinGen allele CA388874964.
Genomic context (GRCh38, chr14:21,385,860, plus strand): 5'-GGTGAAGAGGGGTAGCCAGGGGCTCTCAAGCCTGGATGGTGATGGTGGTGATGGTGGGGG[T>C]GGGGGTGGTGGTGGTGGTGATGAAGCATGGTGCTGGAGTCTACATGAGGGGATGATGGTG-3'
Protein context (NP_001164100.1, residues 2490-2510): TMLHHHHHHP[His2500Arg]PHHHHHHHPG

ClinVar aggregate classification (germline): Uncertain significance (1 of 4 stars; one submission).

Submission:

Labcorp Genetics (formerly Invitae), Labcorp
Classification: Uncertain significance. Last evaluated: 2024-02-12. Review status: criteria provided, single submitter. Criteria: Invitae Variant Classification Sherloc (09022015). Collection method: clinical testing. Allele origin: germline.
Comment: This sequence change replaces histidine, which is basic and polar, with arginine, which is basic and polar, at codon 2500 of the CHD8 protein (p.His2500Arg). This variant is not present in population databases (gnomAD no frequency). This variant has not been reported in the literature in individuals affected with CHD8-related conditions. An algorithm developed to predict the effect of missense changes on protein structure and function (PolyPhen-2) suggests that this variant is likely to be tolerated. In summary, the available evidence is currently insufficient to determine the role of this variant in disease. Therefore, it has been classified as a Variant of Uncertain Significance.